The following is an entry in ClinVar:

ClinVar aggregate classification (germline): Uncertain significance (1 of 4 stars; one submission).

Conditions:
Hereditary cancer-predisposing syndrome. Also called: Neoplastic Syndromes, Hereditary; Hereditary neoplastic syndrome; Tumor predisposition; Hereditary Cancer Syndrome. Identifiers: Orphanet 140162, MedGen C0027672, MeSH D009386, MONDO:0015356.

Submission:

Labcorp Genetics (formerly Invitae), Labcorp
Classification: Uncertain significance for Hereditary cancer-predisposing syndrome. Last evaluated: 2023-04-14. Review status: criteria provided, single submitter. Criteria: Invitae Variant Classification Sherloc (09022015). Collection method: clinical testing. Allele origin: germline.
Comment: In summary, the available evidence is currently insufficient to determine the role of this variant in disease. Therefore, it has been classified as a Variant of Uncertain Significance. Advanced modeling of protein sequence and biophysical properties (such as structural, functional, and spatial information, amino acid conservation, physicochemical variation, residue mobility, and thermodynamic stability) performed at Invitae indicates that this missense variant is not expected to disrupt RAD50 protein function. This variant has not been reported in the literature in individuals affected with RAD50-related conditions. This variant is not present in population databases (gnomAD no frequency). This sequence change replaces aspartic acid, which is acidic and polar, with glutamic acid, which is acidic and polar, at codon 643 of the RAD50 protein (p.Asp643Glu).

NM_005732.4(RAD50):c.1929C>G (p.Asp643Glu)

Gene: RAD50 (RAD50 double strand break repair protein; plus strand). Cytogenetic location: 5q31.1.
Variant type: single nucleotide variant.
Coding change: c.1929C>G on transcript NM_005732.4 (MANE Select); coding-DNA position 1929, C replaced by G.
Protein change: p.Asp643Glu; replaces aspartic acid 643 with glutamic acid.
Molecular consequence: missense variant.
Genome position (GRCh38, 1-based): chr5:132,595,004, C>G. VCF-style: chr5-132595004-C-G. GRCh37 (hg19) VCF-style: chr5-131930696-C-G.
Other names: short protein forms D643E.
Identifiers: ClinVar variation 2856153 (VCV002856153.3), dbSNP rs1060504391, ClinGen allele CA360948330.